The following is an entry in ClinVar:

ClinVar aggregate classification (germline): Pathogenic (1 of 4 stars; one submission).

Conditions:
Sulfite oxidase deficiency. Also called: Isolated sulfite oxidase deficiency. Identifiers: Orphanet 833, Orphanet 99731, MedGen C0268624, MONDO:0010089, OMIM 272300, HP:0003643.

Submission:

Labcorp Genetics (formerly Invitae), Labcorp
Classification: Pathogenic for Sulfite oxidase deficiency. Last evaluated: 2024-02-04. Review status: criteria provided, single submitter. Criteria: Invitae Variant Classification Sherloc (09022015). Collection method: clinical testing. Allele origin: germline.
Comment: This sequence change creates a premature translational stop signal (p.Ala128Leufs*14) in the SUOX gene. While this is not anticipated to result in nonsense mediated decay, it is expected to disrupt the last 418 amino acid(s) of the SUOX protein. This variant is not present in population databases (gnomAD no frequency). This variant has not been reported in the literature in individuals affected with SUOX-related conditions. This variant disrupts a region of the SUOX protein in which other variant(s) (p.Arg529*) have been determined to be pathogenic (PMID: 17940249, 28980090). This suggests that this is a clinically significant region of the protein, and that variants that disrupt it are likely to be disease-causing. For these reasons, this variant has been classified as Pathogenic.

Literature cited by the submitters: PubMed 17940249; PubMed 28980090.

NM_001032386.2(SUOX):c.381_406del (p.Ala128fs)

Gene: SUOX (sulfite oxidase; plus strand). Cytogenetic location: 12q13.2.
Variant type: Deletion.
Coding change: c.381_406del on transcript NM_001032386.2 (MANE Select); coding-DNA positions 381 to 406, 26 bases deleted (AGCAGCTGGGGGTCCCCTAGAGCCCT).
Protein change: p.Ala128fs; shifts the reading frame from alanine 128.
Molecular consequence: frameshift variant.
Genome position (GRCh38, 1-based): chr12:56,003,770-56,003,795, AGCAGCTGGGGGTCCCCTAGAGCCCT deleted; deleting any 26 consecutive bases within chr12:56,003,768-56,003,795 gives the same sequence; the c. name uses the placement nearest the transcript's 3' end. VCF-style (leftmost placement, unchanged base first): chr12-56003767-GCTAGCAGCTGGGGGTCCCCTAGAGCC-G. GRCh37 (hg19) VCF-style: chr12-56397551-GCTAGCAGCTGGGGGTCCCCTAGAGCC-G.
Other names: c.381_406del, p.Ala128fs (NM_000456.3, NM_001032387.2); short protein forms A128fs.
Identifiers: ClinVar variation 3690936 (VCV003690936.2).
Genomic context (GRCh38, chr12:56,003,767, plus strand): 5'-TGAGGTCTTTGATGTCACAGAATTTGTGGACCTACATCCAGGGGGGCCTTCAAAGCTGAT[GCTAGCAGCTGGGGGTCCCCTAGAGCC>G]CTTCTGGGCCCTCTATGCTGTTCACAACCAGTCCCATGTGCGTGAGTTACTGGCTCAGTA-3'